The following is an entry in ClinVar:

NM_001042492.3(NF1):c.1698T>C (p.Pro566=)

Gene: NF1 (neurofibromin 1; plus strand). Cytogenetic location: 17q11.2.
Variant type: single nucleotide variant.
Coding change: c.1698T>C on transcript NM_001042492.3 (MANE Select); coding-DNA position 1698, T replaced by C.
Protein change: p.Pro566=; no amino-acid change (proline 566 retained).
Molecular consequence: synonymous variant.
Genome position (GRCh38, 1-based): chr17:31,221,906, T>C. VCF-style: chr17-31221906-T-C. GRCh37 (hg19) VCF-style: chr17-29548924-T-C.
Other names: c.1698T>C, p.Pro566= (NM_000267.4, NM_001128147.3).
Identifiers: ClinVar variation 1110106 (VCV001110106.8), dbSNP rs2144004618, ClinGen allele CA499228484.

ClinVar aggregate classification (germline): Benign/Likely benign. Review status: criteria provided, multiple submitters, no conflicts (2 of 4 stars). 2 submissions from 2 submitters: Benign (1); Likely benign (1). Last evaluated 2026-05-15.

Conditions:
Neurofibromatosis, type 1 (NF1). Also called: Peripheral type neurofibromatosis; NEUROFIBROMATOSIS, TYPE I, SOMATIC; VON RECKLINGHAUSEN DISEASE; Neurofibromatosis, type I. Identifiers: Orphanet 636, MedGen C0027831, MONDO:0018975, OMIM 162200. Disease mechanism: loss of function.

Submissions (2):

Myriad Genetics, Inc.
Classification: Benign for Neurofibromatosis, type 1. Last evaluated: 2026-05-15. Review status: criteria provided, single submitter. Criteria: Myriad Autosomal Dominant, Autosomal Recessive and X-Linked Classification Criteria (2023). Collection method: clinical testing. Allele origin: unknown.
Comment: This variant is considered benign. This variant is a silent/synonymous amino acid change and it is not expected to impact splicing.

Labcorp Genetics (formerly Invitae), Labcorp
Classification: Likely benign for Neurofibromatosis, type 1. Last evaluated: 2022-09-06. Review status: criteria provided, single submitter. Criteria: Invitae Variant Classification Sherloc (09022015). Collection method: clinical testing. Allele origin: germline.